The following is an entry in ClinVar:

NM_178452.6(DNAAF1):c.228C>T (p.His76=)

Gene: DNAAF1 (dynein axonemal assembly factor 1; plus strand). Cytogenetic location: 16q24.1.
Variant type: single nucleotide variant.
Coding change: c.228C>T on transcript NM_178452.6 (MANE Select); coding-DNA position 228, C replaced by T.
Protein change: p.His76=; no amino-acid change (histidine 76 retained).
Molecular consequence: synonymous variant.
Genome position (GRCh38, 1-based): chr16:84,149,110, C>T. VCF-style: chr16-84149110-C-T. GRCh37 (hg19) VCF-style: chr16-84182715-C-T.
Other names: p.His76=.
Identifiers: ClinVar variation 163080 (VCV000163080.35), dbSNP rs61743547, ClinGen allele CA175675.

ClinVar aggregate classification (germline): Benign/Likely benign. Review status: criteria provided, multiple submitters, no conflicts (2 of 4 stars). 9 submissions from 9 submitters: Benign (6); Likely benign (3). Last evaluated 2026-02-01.

Conditions:
Primary ciliary dyskinesia 13. Also called: CILIARY DYSKINESIA, PRIMARY, 13, WITH OR WITHOUT SITUS INVERSUS. Identifiers: Orphanet 244, MedGen C2750790, MONDO:0013174, OMIM 613193.
Primary ciliary dyskinesia. Also called: Ciliary dyskinesia. Identifiers: Orphanet 244, MedGen C0008780, MONDO:0016575, HP:0012265.

Allele frequency attached by ClinVar (database versions not stated): 1000 Genomes Project 30x 0.00500; 1000 Genomes Project 0.00599; TOPMed 0.01190; ESP Exome Variant Server 0.01438; ExAC 0.01680; gnomAD 0.01773 and 0.01842; gnomAD exomes 0.01844 and 0.01942.
gnomAD v4.1: 29,774 of 1,614,006 alleles (1.8%); highest among the groups gnomAD compares: Non-Finnish European, 1.7%; 481 homozygotes.

Submissions (9):

Labcorp Genetics (formerly Invitae), Labcorp
Classification: Benign for Primary ciliary dyskinesia. Last evaluated: 2026-02-01. Review status: criteria provided, single submitter. Criteria: Invitae Variant Classification Sherloc (09022015). Collection method: clinical testing. Allele origin: germline.

Blueprint Genetics
Classification: Likely benign. Last evaluated: 2024-11-27. Review status: criteria provided, single submitter. Criteria: ACMG Guidelines, 2015. Collection method: clinical testing. Allele origin: germline.

Mayo Clinic Laboratories, Mayo Clinic
Classification: Benign. Last evaluated: 2023-07-01. Review status: criteria provided, single submitter. Criteria: ACMG Guidelines, 2015. Collection method: clinical testing. Allele origin: germline. Observed: 6 variant alleles.

GeneDx
Classification: Benign. Last evaluated: 2019-01-16. Review status: criteria provided, single submitter. Criteria: GeneDx Variant Classification Process June 2021. Collection method: clinical testing. Allele origin: germline. Affected: yes.

Illumina Laboratory Services, Illumina
Classification: Likely benign for Primary ciliary dyskinesia 13. Last evaluated: 2018-01-13. Review status: criteria provided, single submitter. Criteria: ICSL Variant Classification Criteria 13 December 2019. Collection method: clinical testing. Allele origin: germline.
Comment: This variant was observed in the ICSL laboratory as part of a predisposition screen in an ostensibly healthy population. It had not been previously curated by ICSL or reported in the Human Gene Mutation Database (HGMD: prior to June 1st, 2018), and was therefore a candidate for classification through an automated scoring system. Utilizing variant allele frequency, disease prevalence and penetrance estimates, and inheritance mode, an automated score was calculated to assess if this variant is too frequent to cause the disease. Based on the score and internal cut-off values, a variant classified as likely benign is not then subjected to further curation. The score for this variant resulted in a classification of likely benign for this disease.

Ambry Genetics
Classification: Benign for Primary ciliary dyskinesia. Last evaluated: 2014-11-26. Review status: criteria provided, single submitter. Criteria: Ambry Variant Classification Scheme 2023. Collection method: clinical testing. Allele origin: germline.

Laboratory for Molecular Medicine, Mass General Brigham Personalized Medicine
Classification: Benign. Last evaluated: 2013-02-21. Review status: criteria provided, single submitter. Criteria: LMM Criteria. Collection method: clinical testing. Allele origin: germline. Observed: 6 variant alleles.
Comment: His76His in exon 2 of DNAAF1: This variant is not expected to have clinical sign ificance because it does not alter an amino acid residue and is not located with in the splice consensus sequence. It has been identified in 2.0% (176/8600) of E uropean American chromosomes from a broad population by the NHLBI Exome Sequenci ng Project (dbSNP rs61743547).

Breakthrough Genomics
Classification: Likely benign. Review status: criteria provided, single submitter. Criteria: ACMG Guidelines, 2015. Collection method: not provided. Allele origin: germline. Inheritance: Autosomal recessive inheritance. Affected: yes.

PreventionGenetics, part of Exact Sciences
Classification: Benign. Review status: criteria provided, single submitter. Criteria: ACMG Guidelines, 2015. Collection method: clinical testing. Allele origin: germline.